The following is an entry in ClinVar:

ClinVar aggregate classification (germline): Uncertain significance (1 of 4 stars; one submission).

gnomAD v4.1: 7 of 1,614,134 alleles (0.00043%); highest among the groups gnomAD compares: Middle Eastern, 0.016%; no homozygotes.

Submission:

Labcorp Genetics (formerly Invitae), Labcorp
Classification: Uncertain significance. Last evaluated: 2025-09-15. Review status: criteria provided, single submitter. Criteria: Invitae Variant Classification Sherloc (09022015). Collection method: clinical testing. Allele origin: germline.
Comment: This sequence change replaces alanine, which is neutral and non-polar, with valine, which is neutral and non-polar, at codon 680 of the SON protein (p.Ala680Val). This variant is not present in population databases (gnomAD no frequency). This variant has not been reported in the literature in individuals affected with SON-related conditions. An algorithm developed to predict the effect of missense changes on protein structure and function (PolyPhen-2) suggests that this variant is likely to be disruptive. In summary, the available evidence is currently insufficient to determine the role of this variant in disease. Therefore, it has been classified as a Variant of Uncertain Significance.

NM_138927.4(SON):c.2039C>T (p.Ala680Val)

Gene: SON (SON DNA and RNA binding protein; plus strand). Cytogenetic location: 21q22.11.
Variant type: single nucleotide variant.
Coding change: c.2039C>T on transcript NM_138927.4 (MANE Select); coding-DNA position 2039, C replaced by T.
Protein change: p.Ala680Val; replaces alanine 680 with valine.
Molecular consequence: missense variant. On other transcripts: non-coding transcript variant (1), intron variant (1).
Genome position (GRCh38, 1-based): chr21:33,551,270, C>T. VCF-style: chr21-33551270-C-T. GRCh37 (hg19) VCF-style: chr21-34923576-C-T.
Other names: c.2039C>T, p.Ala680Val (NM_001291411.2, NM_032195.3); c.244+4891C>T (NM_001291412.3); short protein forms A680V.
Identifiers: ClinVar variation 4753144 (VCV004753144.1).